The following is an entry in ClinVar:

NM_001008212.2(OPTN):c.891C>T (p.Ser297=)

Gene: OPTN (optineurin; plus strand). Cytogenetic location: 10p13.
Variant type: single nucleotide variant.
Coding change: c.891C>T on transcript NM_001008212.2 (MANE Select); coding-DNA position 891, C replaced by T.
Protein change: p.Ser297=; no amino-acid change (serine 297 retained).
Molecular consequence: synonymous variant.
Genome position (GRCh38, 1-based): chr10:13,124,003, C>T. VCF-style: chr10-13124003-C-T. GRCh37 (hg19) VCF-style: chr10-13166003-C-T.
Other names: c.891C>T, p.Ser297= (NM_001008211.1, NM_001008213.1, NM_021980.4).
Identifiers: ClinVar variation 732003 (VCV000732003.5), dbSNP rs200169099, ClinGen allele CA5410806.
Genomic context (GRCh38, chr10:13,124,003, plus strand): 5'-TTAATGTCAGATGATAATTGTACAGATATGTTTGGGATTTCCCGTATGATAGGTTGGAAG[C>T]GAAGTGGAAGCACTGAACCTCCAGGTGACATCTCTGTTTAAGGAGCTTCAAGAGGCTCAT-3'
Protein context (NP_001008213.1, residues 287-307): DEEKGPETVG[Ser297=]EVEALNLQVT

ClinVar aggregate classification (germline): Likely benign. Review status: criteria provided, multiple submitters, no conflicts (2 of 4 stars). 2 submissions from 2 submitters: Likely benign (2). Last evaluated 2026-09-21.

Conditions:
OPTN-related disorder. Also called: OPTN-related disorders; OPTN-related condition.
Primary open angle glaucoma (POAG). Also called: OPTN-related open angle glaucoma. Identifiers: MedGen C0339573, MONDO:0100553, OMIM 137760.
Glaucoma 1, open angle, E. Identifiers: MedGen C1842026, MONDO:0007665.
Amyotrophic lateral sclerosis type 12 (ALS12). Also called: AMYOTROPHIC LATERAL SCLEROSIS 12 WITH OR WITHOUT FRONTOTEMPORAL DEMENTIA. Identifiers: Orphanet 803, MedGen C3150692, MONDO:0013264, OMIM 613435.

Allele frequency attached by ClinVar (database versions not stated): gnomAD 0.00001; gnomAD exomes 0.00002 and 0.00006; ExAC 0.00003; TOPMed 0.00004.
gnomAD v4.1: 36 of 1,612,074 alleles (0.0022%); highest among the groups gnomAD compares: East Asian, 0.013%; no homozygotes.

Submissions (2):

PreventionGenetics, part of Exact Sciences
Classification: Likely benign for OPTN-related condition. Last evaluated: 2026-09-21. Review status: criteria provided, single submitter. Criteria: ACMG Guidelines, 2015. Collection method: clinical testing. Allele origin: germline.
Comment: This variant is classified as likely benign based on ACMG/AMP sequence variant interpretation guidelines (Richards et al. 2015 PMID: 25741868, with internal and published modifications).

Labcorp Genetics (formerly Invitae), Labcorp
Classification: Likely benign for Primary open angle glaucoma; Glaucoma 1, open angle, e; Amyotrophic lateral sclerosis type 12. Last evaluated: 2019-12-31. Review status: criteria provided, single submitter. Criteria: Invitae Variant Classification Sherloc (09022015). Collection method: clinical testing. Allele origin: germline.